The following is an entry in ClinVar:

NM_022051.3(EGLN1):c.206T>A (p.Val69Glu)

Gene: EGLN1 (egl-9 family hypoxia inducible factor 1; minus strand). Cytogenetic location: 1q42.2.
Variant type: single nucleotide variant.
Coding change: c.206T>A on transcript NM_022051.3 (MANE Select); coding-DNA position 206, T replaced by A.
Protein change: p.Val69Glu; replaces valine 69 with glutamic acid.
Molecular consequence: missense variant.
Genome position (GRCh38, 1-based): chr1:231,421,683, A>T on the plus strand (T>A on the coding strand, the complement: EGLN1 is on the minus strand). VCF-style: chr1-231421683-A-T. GRCh37 (hg19) VCF-style: chr1-231557429-A-T.
Other names: c.206T>A, p.Val69Glu (NM_001377260.1, NM_001377261.1); short protein forms V69E.
Identifiers: ClinVar variation 1785361 (VCV001785361.2), dbSNP rs2527361291, ClinGen allele CA345238604.
Genomic context (GRCh38, chr1:231,421,683, plus strand): 5'-CCGGCCCTGGGCGGCGGCACTGCAGCCGGCGGCGCGGGGCCGGAATGCTGGTGTGGGCCC[A>T]CTCCGTGGCCGAGGGCGCCCTCGCTGCCCTGGCACACGAGCTTGTGCTTCTTCCAGTCCT-3'
Protein context (NP_071334.1, residues 59-79): QGSEGALGHG[Val69Glu]GPHQHSGPAP

ClinVar aggregate classification (germline): Uncertain significance (1 of 4 stars; one submission).

Submission:

Ambry Genetics
Classification: Uncertain significance. Last evaluated: 2022-06-22. Review status: criteria provided, single submitter. Criteria: Ambry Variant Classification Scheme 2023. Collection method: clinical testing. Allele origin: germline.
Comment: The p.V69E variant (also known as c.206T>A), located in coding exon 1 of the EGLN1 gene, results from a T to A substitution at nucleotide position 206. The valine at codon 69 is replaced by glutamic acid, an amino acid with dissimilar properties. This amino acid position is conserved. In addition, this alteration is predicted to be tolerated by in silico analysis. Since supporting evidence is limited at this time, the clinical significance of this alteration remains unclear.